The following is an entry in ClinVar:

ClinVar aggregate classification (germline): Conflicting classifications of pathogenicity. Review status: criteria provided, conflicting classifications (1 of 4 stars). 4 submissions from 4 submitters: Uncertain significance (3); Benign (1). Last evaluated 2025-09-25.

Conditions:
Hereditary cancer-predisposing syndrome. Also called: Tumor predisposition; Neoplastic Syndromes, Hereditary; Hereditary Cancer Syndrome; Hereditary neoplastic syndrome. Identifiers: Orphanet 140162, MedGen C0027672, MeSH D009386, MONDO:0015356.
Fanconi anemia complementation group O. Also called: RAD51C-Related Fanconi Anemia. Identifiers: Orphanet 84, MedGen C3150653, MONDO:0013248, OMIM 613390.

Allele frequency attached by ClinVar (database versions not stated): gnomAD 0.00001.
gnomAD v4.1: 1 of 1,613,888 alleles (0.000062%); highest among the groups gnomAD compares: Non-Finnish European, 0.000085%; no homozygotes.

Submissions (4):

Ambry Genetics
Classification: Benign for Hereditary cancer-predisposing syndrome. Last evaluated: 2025-09-25. Review status: criteria provided, single submitter. Criteria: Ambry Variant Classification Scheme 2023. Collection method: clinical testing. Allele origin: germline.

Labcorp Genetics (formerly Invitae), Labcorp
Classification: Uncertain significance for Fanconi anemia complementation group O. Last evaluated: 2024-09-18. Review status: criteria provided, single submitter. Criteria: Invitae Variant Classification Sherloc (09022015). Collection method: clinical testing. Allele origin: germline.
Comment: This sequence change replaces cysteine, which is neutral and slightly polar, with arginine, which is basic and polar, at codon 85 of the RAD51C protein (p.Cys85Arg). The frequency data for this variant in the population databases is considered unreliable, as metrics indicate poor data quality at this position in the gnomAD database. This variant has not been reported in the literature in individuals affected with RAD51C-related conditions. ClinVar contains an entry for this variant (Variation ID: 471440). Invitae Evidence Modeling of protein sequence and biophysical properties (such as structural, functional, and spatial information, amino acid conservation, physicochemical variation, residue mobility, and thermodynamic stability) indicates that this missense variant is not expected to disrupt RAD51C protein function with a negative predictive value of 80%. In summary, the available evidence is currently insufficient to determine the role of this variant in disease. Therefore, it has been classified as a Variant of Uncertain Significance.

Color Diagnostics, LLC DBA Color Health
Classification: Uncertain significance for Hereditary cancer-predisposing syndrome. Last evaluated: 2024-03-06. Review status: criteria provided, single submitter. Criteria: ACMG Guidelines, 2015. Collection method: clinical testing. Allele origin: germline.
Comment: This missense variant replaces cysteine with arginine at codon 85 of the RAD51C protein. Computational prediction suggests that this variant may not impact protein structure and function (internally defined REVEL score threshold <= 0.5, PMID: 27666373). To our knowledge, functional studies have not been reported for this variant. This variant has not been reported in individuals affected with hereditary cancer in the literature. This variant has not been identified in the general population by the Genome Aggregation Database (gnomAD). The available evidence is insufficient to determine the role of this variant in disease conclusively. Therefore, this variant is classified as a Variant of Uncertain Significance.

GeneDx
Classification: Uncertain significance. Last evaluated: 2022-07-07. Review status: criteria provided, single submitter. Criteria: GeneDx Variant Classification Process June 2021. Collection method: clinical testing. Allele origin: germline. Affected: yes.
Comment: Not observed at significant frequency in large population cohorts (gnomAD); In silico analysis supports that this missense variant has a deleterious effect on protein structure/function; Has not been previously published as pathogenic or benign to our knowledge; This variant is associated with the following publications: (PMID: 14704354)

NM_058216.3(RAD51C):c.253T>C (p.Cys85Arg)

Gene: RAD51C (RAD51 paralog C; plus strand). Cytogenetic location: 17q22.
Variant type: single nucleotide variant.
Coding change: c.253T>C on transcript NM_058216.3 (MANE Select); coding-DNA position 253, T replaced by C.
Protein change: p.Cys85Arg; replaces cysteine 85 with arginine.
Molecular consequence: missense variant. On other transcripts: non-coding transcript variant (2).
Genome position (GRCh38, 1-based): chr17:58,695,038, T>C. VCF-style: chr17-58695038-T-C. GRCh37 (hg19) VCF-style: chr17-56772399-T-C.
Other names: c.253T>C, p.Cys85Arg (NM_002876.4); short protein forms C85R.
Identifiers: ClinVar variation 471440 (VCV000471440.16), dbSNP rs1060502595, ClinGen allele CA400340434.